The following is an entry in ClinVar:

NM_001369268.1(ACAN):c.7317G>A (p.Trp2439Ter)

Gene: ACAN (aggrecan; plus strand). Cytogenetic location: 15q26.1.
Variant type: single nucleotide variant.
Coding change: c.7317G>A on transcript NM_001369268.1 (MANE Select); coding-DNA position 7317, G replaced by A.
Protein change: p.Trp2439Ter; replaces tryptophan 2439 with a stop codon.
Molecular consequence: nonsense.
Genome position (GRCh38, 1-based): chr15:88,872,895, G>A. VCF-style: chr15-88872895-G-A. GRCh37 (hg19) VCF-style: chr15-89416126-G-A.
Other names: c.7089G>A, p.Trp2363Ter (NM_001135.4); c.7203G>A, p.Trp2401Ter (NM_013227.4); short protein forms W2401*, W2439*, W2363*.
Identifiers: ClinVar variation 440751 (VCV000440751.9), dbSNP rs1555457632, ClinGen allele CA393730337.
Genomic context (GRCh38, chr15:88,872,895, plus strand): 5'-GCACTGTCCTGCCCTCTCCTTACTCCTTCCCCACTCCCACCCACAGCAATTTGAGAACTG[G>A]CGCCCCAACCAGCCTGACAACTTTTTTGCCGCTGGAGAGGACTGTGTGGTGATGATCTGG-3'

ClinVar aggregate classification (germline): Pathogenic. Review status: criteria provided, single submitter (1 of 4 stars). 2 submissions from 2 submitters: Pathogenic (1). 1 of the submissions does not count toward it. Last evaluated 2021-09-20.

Conditions:
Short stature and advanced bone age, with early-onset osteoarthritis. Identifiers: MedGen C4540542.

Allele frequency attached by ClinVar (database versions not stated): gnomAD exomes below 0.00001.

Submissions (2):

Labcorp Genetics (formerly Invitae), Labcorp
Classification: Pathogenic. Last evaluated: 2021-09-20. Review status: criteria provided, single submitter. Criteria: Invitae Variant Classification Sherloc (09022015). Collection method: clinical testing. Allele origin: germline.
Comment: For these reasons, this variant has been classified as Pathogenic. ClinVar contains an entry for this variant (Variation ID: 440751). This premature translational stop signal has been observed in individual(s) with autosomal dominant short stature (PMID: 27870580). This variant is not present in population databases (ExAC no frequency). This sequence change creates a premature translational stop signal (p.Trp2401*) in the ACAN gene. It is expected to result in an absent or disrupted protein product. Loss-of-function variants in ACAN are known to be pathogenic (PMID: 16080123, 24762113).

OMIM
Classification: Pathogenic for SHORT STATURE AND ADVANCED BONE AGE, WITH EARLY-ONSET OSTEOARTHRITIS. Last evaluated: 2017-09-28. Review status: no assertion criteria provided. Collection method: literature only. Allele origin: germline. Not counted in ClinVar's aggregate classification.

Literature cited by the submitters: PubMed 27870580 (cited by Labcorp Genetics (formerly Invitae), Labcorp and OMIM); PubMed 16080123 (cited by Labcorp Genetics (formerly Invitae), Labcorp); PubMed 24762113 (cited by Labcorp Genetics (formerly Invitae), Labcorp).